The following is an entry in ClinVar:

NM_001009944.3(PKD1):c.8679C>G (p.Ser2893=)

Gene: PKD1 (polycystin 1, transient receptor potential channel interacting; minus strand). Cytogenetic location: 16p13.3.
Variant type: single nucleotide variant.
Coding change: c.8679C>G on transcript NM_001009944.3 (MANE Select); coding-DNA position 8679, C replaced by G.
Protein change: p.Ser2893=; no amino-acid change (serine 2893 retained).
Molecular consequence: synonymous variant.
Genome position (GRCh38, 1-based): chr16:2,103,378, G>C on the plus strand (C>G on the coding strand, the complement: PKD1 is on the minus strand). VCF-style: chr16-2103378-G-C. GRCh37 (hg19) VCF-style: chr16-2153379-G-C.
Other names: p.Ser2893=; c.8679C>G, p.Ser2893= (NM_000296.4).
Identifiers: ClinVar variation 257026 (VCV000257026.20), dbSNP rs114143642, ClinGen allele CA7830425.
Genomic context (GRCh38, chr16:2,103,378, plus strand): 5'-GCTGTCCAGGGTGACCACAGCACCGACGGAGGCCTGGGGCTGGACCACAACGGAGTTGGC[G>C]GAGTTGGCGGAGCTGCGGTGGCCCCGGGCAGCCCAGTCCGAGTTGTTGGGCACCTTCACG-3'
Protein context (NP_001009944.3, residues 2883-2903): AARGHRSSAN[Ser2893=]ANSVVVQPQA

ClinVar aggregate classification (germline): Benign/Likely benign. Review status: criteria provided, multiple submitters, no conflicts (2 of 4 stars). 9 submissions from 9 submitters: Benign (7); Likely benign (1). 1 of the submissions does not count toward it. Last evaluated 2025-04-25.

Conditions:
Polycystic kidney disease, adult type (PKD1). Also called: POLYCYSTIC KIDNEY DISEASE, ADULT, TYPE I; Polycystic Kidney Disease 1, Autosomal Dominant; Polycystic kidney disease 1; Polycystic kidney disease 1, severe; POLYCYSTIC KIDNEY DISEASE 1 WITH OR WITHOUT POLYCYSTIC LIVER DISEASE; Polycystic Kidney, Autosomal Dominant. Identifiers: MedGen C3149841, MONDO:0008263, OMIM 173900.
Polycystic kidney disease. Also called: Kidney, Polycystic; Polycystic kidney dysplasia. Identifiers: MedGen C0022680, MeSH D007690, MONDO:0020642, HP:0000113.

Allele frequency attached by ClinVar (database versions not stated): gnomAD 0.01226; ESP Exome Variant Server 0.01364; 1000 Genomes Project 0.01378; TOPMed 0.01480; 1000 Genomes Project 30x 0.01577.
gnomAD v4.1: 4,243 of 1,601,692 alleles (0.26%); highest among the groups gnomAD compares: African/African-American, 4.8%; 104 homozygotes.

Submissions (9):

Women's Health and Genetics/Laboratory Corporation of America, LabCorp
Classification: Benign. Last evaluated: 2025-04-25. Review status: criteria provided, single submitter. Criteria: LabCorp Variant Classification Summary - May 2015. Collection method: clinical testing. Allele origin: germline.

Mayo Clinic Laboratories, Mayo Clinic
Classification: Benign. Last evaluated: 2023-09-18. Review status: criteria provided, single submitter. Criteria: ACMG Guidelines, 2015. Collection method: clinical testing. Allele origin: germline. Observed: 16 variant alleles.
Comment: BS1, BS2, BP4, BP7

Fulgent Genetics
Classification: Likely benign for Polycystic kidney disease, adult type. Last evaluated: 2021-10-30. Review status: criteria provided, single submitter. Criteria: ACMG Guidelines, 2015. Collection method: clinical testing. Allele origin: unknown.

ARUP Laboratories, Molecular Genetics and Genomics, ARUP Laboratories
Classification: Benign for Polycystic kidney disease, adult type. Last evaluated: 2020-02-24. Review status: criteria provided, single submitter. Criteria: ARUP Molecular Germline Variant Investigation Process. Collection method: clinical testing. Allele origin: germline.

GeneDx
Classification: Benign. Last evaluated: 2019-12-09. Review status: criteria provided, single submitter. Criteria: GeneDx Variant Classification Process June 2021. Collection method: clinical testing. Allele origin: germline. Affected: yes.
Comment: This variant is associated with the following publications: (PMID: 17574468, 11115377)

Athena Diagnostics
Classification: Benign. Last evaluated: 2017-09-21. Review status: criteria provided, single submitter. Criteria: Athena Diagnostics Criteria. Collection method: clinical testing. Allele origin: germline.

Breakthrough Genomics
Classification: Benign. Review status: criteria provided, single submitter. Criteria: ACMG Guidelines, 2015. Collection method: not provided. Allele origin: germline. Inheritance: Autosomal dominant inheritance. Affected: yes.

PreventionGenetics, part of Exact Sciences
Classification: Benign. Review status: criteria provided, single submitter. Criteria: ACMG Guidelines, 2015. Collection method: clinical testing. Allele origin: germline.

Department of Pathology and Laboratory Medicine, Sinai Health System
Classification: Benign for Polycystic Kidney disease. Review status: no assertion criteria provided. Collection method: clinical testing. Allele origin: unknown. Affected: yes. Study: The Canadian Open Genetics Repository (COGR). Not counted in ClinVar's aggregate classification.
Comment: The PKD1 p.Ser2893= variant was identified in 3 of 354 proband chromosomes (frequency: 0.009) from individuals or families with ADPKD (Garcia-Gonzalez 2007, Rossetti 2001). The variant was also identified in dbSNP (ID: rs114143642) as "With Benign allele", ClinVar (classified as benign by Prevention Genetics, ARUP and Athena Diagnostics), and in ADPKD Mutation Database (as likely neutral). The variant was not identified in LOVD 3.0 or PKD1-LOVD databases. The variant was identified in control databases in 1213 of 264066 chromosomes (26 homozygous) at a frequency of 0.005, increasing the likelihood this could be a low frequency benign variant (Genome Aggregation Database Feb 27, 2017). The variant was observed in the following populations: African in 1090 of 22908 chromosomes (freq: 0.05), Other in 11 of 6314 chromosomes (freq: 0.002), Latino in 64 of 34298 chromosomes (freq: 0.002), European in 38 of 122380 chromosomes (freq: 0.0003), Ashkenazi Jewish in 3 of 9972 chromosomes (freq: 0.0003), and South Asian in 7 of 30682 chromosomes (freq: 0.0002); it was not observed in the East Asian or Finnish populations. The p.Ser2893= variant is not expected to have clinical significance because it does not result in a change of amino acid and is not located in a known consensus splice site. The variant occurs outside of the splicing consensus sequence although 1 of 5 in silico or computational prediction software programs (SpliceSiteFinder, MaxEntScan, NNSPLICE, GeneSplicer) predict a greater than 10% difference in splicing; this is not very predictive of pathogenicity. In summary, based on the above information, this variant meets our laboratory criteria to be classified as benign.

Literature cited by the submitters: PubMed 11115377 (cited by Athena Diagnostics).